The following is an entry in ClinVar:

NM_002528.7(NTHL1):c.730A>C (p.Thr244Pro)

Gene: NTHL1 (nth like DNA glycosylase 1; minus strand). Cytogenetic location: 16p13.3.
Variant type: single nucleotide variant.
Coding change: c.730A>C on transcript NM_002528.7 (MANE Select); coding-DNA position 730, A replaced by C.
Protein change: p.Thr244Pro; replaces threonine 244 with proline.
Molecular consequence: missense variant.
Genome position (GRCh38, 1-based): chr16:2,040,194, T>G on the plus strand (A>C on the coding strand, the complement: NTHL1 is on the minus strand). VCF-style: chr16-2040194-T-G. GRCh37 (hg19) VCF-style: chr16-2090195-T-G.
Other names: c.559A>C, p.Thr187Pro (NM_001318193.2); c.400A>C, p.Thr134Pro (NM_001318194.2); short protein forms T134P, T187P, T244P.
Identifiers: ClinVar variation 4861233 (VCV004861233.1).

ClinVar aggregate classification (germline): Uncertain significance (1 of 4 stars; one submission).

Conditions:
Hereditary cancer-predisposing syndrome. Also called: Neoplastic Syndromes, Hereditary; Tumor predisposition; Hereditary Cancer Syndrome; Hereditary neoplastic syndrome. Identifiers: Orphanet 140162, MedGen C0027672, MeSH D009386, MONDO:0015356.

Submission:

Ambry Genetics
Classification: Uncertain significance for Hereditary cancer-predisposing syndrome. Last evaluated: 2026-04-24. Review status: criteria provided, single submitter. Criteria: Ambry Variant Classification Scheme 2023. Collection method: clinical testing. Allele origin: germline.
Comment: The p.T252P variant (also known as c.754A>C), located in coding exon 5 of the NTHL1 gene, results from an A to C substitution at nucleotide position 754. The threonine at codon 252 is replaced by proline, an amino acid with highly similar properties. This amino acid position is conserved. In addition, the in silico prediction for this alteration is inconclusive. Based on the available evidence, the clinical significance of this variant remains unclear.